The following is an entry in ClinVar:

NM_001184880.2(PCDH19):c.91G>A (p.Glu31Lys)

Gene: PCDH19 (protocadherin 19; minus strand). Cytogenetic location: Xq22.1.
Variant type: single nucleotide variant.
Coding change: c.91G>A on transcript NM_001184880.2 (MANE Select); coding-DNA position 91, G replaced by A.
Protein change: p.Glu31Lys; replaces glutamic acid 31 with lysine.
Molecular consequence: missense variant.
Genome position (GRCh38, 1-based): chrX:100,408,507, C>T on the plus strand (G>A on the coding strand, the complement: PCDH19 is on the minus strand). VCF-style: chrX-100408507-C-T. GRCh37 (hg19) VCF-style: chrX-99663505-C-T.
Other names: c.91G>A, p.Glu31Lys (NM_001105243.2, NM_020766.3); short protein forms E31K.
Identifiers: ClinVar variation 578043 (VCV000578043.9), dbSNP rs796052794, ClinGen allele CA414011397.

ClinVar aggregate classification (germline): Pathogenic (1 of 4 stars; one submission).

Conditions:
Developmental and epileptic encephalopathy, 9 (DEE9). Also called: Early infantile epileptic encephalopathy 9; EPILEPSY, FEMALE-RESTRICTED, WITH MENTAL RETARDATION; JUBERG-HELLMAN SYNDROME; PCDH19-Related X-Linked Female-Limited Epilepsy with Mental Retardation. Identifiers: Orphanet 101039, Orphanet 2076, MedGen C1848137, MONDO:0010246, OMIM 300088. Disease mechanism: loss of function.

Submission:

Labcorp Genetics (formerly Invitae), Labcorp
Classification: Pathogenic for Developmental and epileptic encephalopathy, 9. Last evaluated: 2022-11-22. Review status: criteria provided, single submitter. Criteria: Invitae Variant Classification Sherloc (09022015). Collection method: clinical testing. Allele origin: germline.
Comment: For these reasons, this variant has been classified as Pathogenic. Advanced modeling of protein sequence and biophysical properties (such as structural, functional, and spatial information, amino acid conservation, physicochemical variation, residue mobility, and thermodynamic stability) performed at Invitae indicates that this missense variant is expected to disrupt PCDH19 protein function. ClinVar contains an entry for this variant (Variation ID: 578043). This missense change has been observed in individual(s) with clinical features of developmental and epileptic encephalopathy (PMID: 23334464). In at least one individual the variant was observed to be de novo. This variant is not present in population databases (gnomAD no frequency). This sequence change replaces glutamic acid, which is acidic and polar, with lysine, which is basic and polar, at codon 31 of the PCDH19 protein (p.Glu31Lys).

Literature cited by the submitters: PubMed 23334464.